The following is an entry in ClinVar:

NM_001349253.2(SCN11A):c.415G>A (p.Val139Ile)

Gene: SCN11A (sodium voltage-gated channel alpha subunit 11; minus strand). Cytogenetic location: 3p22.2.
Variant type: single nucleotide variant.
Coding change: c.415G>A on transcript NM_001349253.2 (MANE Select); coding-DNA position 415, G replaced by A.
Protein change: p.Val139Ile; replaces valine 139 with isoleucine.
Molecular consequence: missense variant.
Genome position (GRCh38, 1-based): chr3:38,945,484, C>T on the plus strand (G>A on the coding strand, the complement: SCN11A is on the minus strand). VCF-style: chr3-38945484-C-T. GRCh37 (hg19) VCF-style: chr3-38986975-C-T.
Other names: c.415G>A, p.Val139Ile (NM_014139.3); short protein forms V139I.
Identifiers: ClinVar variation 1413865 (VCV001413865.7), dbSNP rs545360453, ClinGen allele CA2322622.

ClinVar aggregate classification (germline): Uncertain significance (1 of 4 stars; one submission).

Conditions:
Hereditary sensory and autonomic neuropathy type 7. Also called: Neuropathy, hereditary sensory and autonomic, type VII; HSAN VII. Identifiers: Orphanet 391397, MedGen C3809882, MONDO:0014244, OMIM 615548.
Familial episodic pain syndrome with predominantly lower limb involvement. Also called: Episodic pain syndrome, familial, 3. Identifiers: Orphanet 391384, Orphanet 391392, MedGen C3809899, MONDO:0014247, OMIM 615552.

Allele frequency attached by ClinVar (database versions not stated): ExAC 0.00001; gnomAD exomes 0.00001; gnomAD 0.00002 and 0.00003; TOPMed 0.00003; 1000 Genomes Project 30x 0.00016; 1000 Genomes Project 0.00020.
gnomAD v4.1: 23 of 1,587,584 alleles (0.0014%); highest among the groups gnomAD compares: Non-Finnish European, 0.002%; no homozygotes.

Submission:

Labcorp Genetics (formerly Invitae), Labcorp
Classification: Uncertain significance for Familial episodic pain syndrome with predominantly lower limb involvement; Hereditary sensory and autonomic neuropathy type 7. Last evaluated: 2024-05-29. Review status: criteria provided, single submitter. Criteria: Invitae Variant Classification Sherloc (09022015). Collection method: clinical testing. Allele origin: germline.
Comment: This sequence change replaces valine, which is neutral and non-polar, with isoleucine, which is neutral and non-polar, at codon 139 of the SCN11A protein (p.Val139Ile). This variant is present in population databases (rs545360453, gnomAD 0.003%). This variant has not been reported in the literature in individuals affected with SCN11A-related conditions. ClinVar contains an entry for this variant (Variation ID: 1413865). Advanced modeling of protein sequence and biophysical properties (such as structural, functional, and spatial information, amino acid conservation, physicochemical variation, residue mobility, and thermodynamic stability) performed at Invitae indicates that this missense variant is not expected to disrupt SCN11A protein function with a negative predictive value of 80%. In summary, the available evidence is currently insufficient to determine the role of this variant in disease. Therefore, it has been classified as a Variant of Uncertain Significance.